The following is an entry in ClinVar:

ClinVar aggregate classification (germline): Uncertain significance (1 of 4 stars; one submission).

Allele frequency attached by ClinVar (database versions not stated): TOPMed below 0.00001; gnomAD 0.00001; gnomAD exomes 0.00001 and 0.00002.

Submission:

Labcorp Genetics (formerly Invitae), Labcorp
Classification: Uncertain significance. Last evaluated: 2025-04-04. Review status: criteria provided, single submitter. Criteria: Invitae Variant Classification Sherloc (09022015). Collection method: clinical testing. Allele origin: germline.
Comment: This sequence change replaces glutamic acid, which is acidic and polar, with alanine, which is neutral and non-polar, at codon 248 of the THBD protein (p.Glu248Ala). This variant is present in population databases (no rsID available, gnomAD 0.01%). This variant has not been reported in the literature in individuals affected with THBD-related conditions. ClinVar contains an entry for this variant (Variation ID: 1357816). Invitae Evidence Modeling of protein sequence and biophysical properties (such as structural, functional, and spatial information, amino acid conservation, physicochemical variation, residue mobility, and thermodynamic stability) indicates that this missense variant is not expected to disrupt THBD protein function with a negative predictive value of 80%. In summary, the available evidence is currently insufficient to determine the role of this variant in disease. Therefore, it has been classified as a Variant of Uncertain Significance.

NM_000361.3(THBD):c.743A>C (p.Glu248Ala)

Gene: THBD (thrombomodulin; minus strand). Cytogenetic location: 20p11.21.
Variant type: single nucleotide variant.
Coding change: c.743A>C on transcript NM_000361.3 (MANE Select); coding-DNA position 743, A replaced by C.
Protein change: p.Glu248Ala; replaces glutamic acid 248 with alanine.
Molecular consequence: missense variant.
Genome position (GRCh38, 1-based): chr20:23,048,762, T>G on the plus strand (A>C on the coding strand, the complement: THBD is on the minus strand). VCF-style: chr20-23048762-T-G. GRCh37 (hg19) VCF-style: chr20-23029399-T-G.
Other names: short protein forms E248A.
Identifiers: ClinVar variation 1357816 (VCV001357816.8), dbSNP rs982204125, ClinGen allele CA313551668.